The following is an entry in ClinVar:

ClinVar aggregate classification (germline): Likely pathogenic (1 of 4 stars; one submission).

Allele frequency attached by ClinVar (database versions not stated): gnomAD 0.00001; TOPMed 0.00001.
gnomAD v4.1: 2 of 1,614,072 alleles (0.00012%); highest among the groups gnomAD compares: African/African-American, 0.0013%; no homozygotes.

Submission:

Labcorp Genetics (formerly Invitae), Labcorp
Classification: Likely pathogenic. Last evaluated: 2024-03-07. Review status: criteria provided, single submitter. Criteria: Invitae Variant Classification Sherloc (09022015). Collection method: clinical testing. Allele origin: germline.
Comment: This sequence change affects an acceptor splice site in intron 5 of the FLAD1 gene. It is expected to disrupt RNA splicing. Variants that disrupt the donor or acceptor splice site typically lead to a loss of protein function (PMID: 16199547), and loss-of-function variants in FLAD1 are known to be pathogenic (PMID: 27259049). This variant is not present in population databases (gnomAD no frequency). This variant has not been reported in the literature in individuals affected with FLAD1-related conditions. Algorithms developed to predict the effect of sequence changes on RNA splicing suggest that this variant may disrupt the consensus splice site. In summary, the currently available evidence indicates that the variant is pathogenic, but additional data are needed to prove that conclusively. Therefore, this variant has been classified as Likely Pathogenic.

Literature cited by the submitters: PubMed 16199547; PubMed 27259049.

NM_025207.5(FLAD1):c.1555-1G>C

Gene: FLAD1 (flavin adenine dinucleotide synthetase 1; plus strand). Cytogenetic location: 1q21.3.
Variant type: single nucleotide variant.
Coding change: c.1555-1G>C on transcript NM_025207.5 (MANE Select); the canonical splice acceptor site of the intron before coding-DNA position 1555, G replaced by C.
Molecular consequence: splice acceptor variant.
Genome position (GRCh38, 1-based): chr1:154,992,712, G>C. VCF-style: chr1-154992712-G-C. GRCh37 (hg19) VCF-style: chr1-154965188-G-C.
Other names: c.1264-1G>C (NM_001184891.2, NM_201398.3).
Identifiers: ClinVar variation 2785834 (VCV002785834.3), dbSNP rs1657935515, ClinGen allele CA342641197.